The following is an entry in ClinVar:

NM_000308.4(CTSA):c.306+2T>A

Gene: CTSA (cathepsin A; plus strand). Cytogenetic location: 20q13.12.
Variant type: single nucleotide variant.
Coding change: c.306+2T>A on transcript NM_000308.4 (MANE Select); the canonical splice donor site of the intron after coding-DNA position 306, T replaced by A.
Molecular consequence: splice donor variant.
Genome position (GRCh38, 1-based): chr20:45,892,029, T>A. VCF-style: chr20-45892029-T-A. GRCh37 (hg19) VCF-style: chr20-44520668-T-A.
Other names: c.306+2T>A (NM_001127695.3, NM_001167594.3).
Identifiers: ClinVar variation 2838177 (VCV002838177.3), dbSNP rs2515433373, ClinGen allele CA409248722.

ClinVar aggregate classification (germline): Likely pathogenic (1 of 4 stars; one submission).

Conditions:
Combined deficiency of sialidase AND beta galactosidase (GSL). Also called: GOLDBERG SYNDROME; NEURAMINIDASE DEFICIENCY WITH BETA-GALACTOSIDASE DEFICIENCY; NEURAMINIDASE/BETA-GALACTOSIDASE EXPRESSION; CATHEPSIN A DEFICIENCY; PPCA DEFICIENCY; PROTECTIVE PROTEIN/CATHEPSIN A DEFICIENCY. Identifiers: Orphanet 351, MedGen C0268233, MONDO:0009737, OMIM 256540.

Allele frequency attached by ClinVar (database versions not stated): gnomAD exomes below 0.00001.
gnomAD v4.1: 2 of 1,611,560 alleles (0.00012%); highest among the groups gnomAD compares: South Asian, 0.0022%; no homozygotes.

Submission:

Labcorp Genetics (formerly Invitae), Labcorp
Classification: Likely pathogenic for Combined deficiency of sialidase AND beta galactosidase. Last evaluated: 2023-09-26. Review status: criteria provided, single submitter. Criteria: Invitae Variant Classification Sherloc (09022015). Collection method: clinical testing. Allele origin: germline.
Comment: This sequence change affects a donor splice site in intron 3 of the CTSA gene. It is expected to disrupt RNA splicing. Variants that disrupt the donor or acceptor splice site typically lead to a loss of protein function (PMID: 16199547), and loss-of-function variants in CTSA are known to be pathogenic (PMID: 15110321, 23915561). This variant is not present in population databases (gnomAD no frequency). This variant has not been reported in the literature in individuals affected with CTSA-related conditions. Algorithms developed to predict the effect of sequence changes on RNA splicing suggest that this variant may disrupt the consensus splice site. In summary, the currently available evidence indicates that the variant is pathogenic, but additional data are needed to prove that conclusively. Therefore, this variant has been classified as Likely Pathogenic.

Literature cited by the submitters: PubMed 16199547; PubMed 15110321; PubMed 23915561.